The following is an entry in ClinVar:

ClinVar aggregate classification (germline): Uncertain significance. Review status: criteria provided, multiple submitters, no conflicts (2 of 4 stars). 2 submissions from 2 submitters: Uncertain significance (2). Last evaluated 2024-02-28.

Conditions:
Fanconi anemia (FA). Also called: Fanconi's anemia. Identifiers: Orphanet 84, MedGen C0015625, MeSH D005199, MONDO:0019391.
Fanconi anemia complementation group C (FANCC). Also called: Fanconi anemia, group C; FANCC-Related Fanconi Anemia; FANCONI PANCYTOPENIA, TYPE 3; FACC. Identifiers: Orphanet 84, MedGen C3468041, MONDO:0009213, OMIM 227645.

Allele frequency attached by ClinVar (database versions not stated): gnomAD exomes below 0.00001.
gnomAD v4.1: 1 of 1,612,944 alleles (0.000062%); highest among the groups gnomAD compares: Middle Eastern, 0.017%; no homozygotes.

Submissions (2):

Fulgent Genetics
Classification: Uncertain significance for Fanconi anemia complementation group C. Last evaluated: 2024-02-28. Review status: criteria provided, single submitter. Criteria: ACMG Guidelines, 2015. Collection method: clinical testing. Allele origin: germline.

Labcorp Genetics (formerly Invitae), Labcorp
Classification: Uncertain significance for Fanconi anemia. Last evaluated: 2021-09-24. Review status: criteria provided, single submitter. Criteria: Invitae Variant Classification Sherloc (09022015). Collection method: clinical testing. Allele origin: germline.
Comment: In summary, the available evidence is currently insufficient to determine the role of this variant in disease. Therefore, it has been classified as a Variant of Uncertain Significance. Algorithms developed to predict the effect of missense changes on protein structure and function are either unavailable or do not agree on the potential impact of this missense change (SIFT: "Tolerated"; PolyPhen-2: "Possibly Damaging"; Align-GVGD: "Class C0"). This variant has not been reported in the literature in individuals affected with FANCC-related conditions. This variant is not present in population databases (ExAC no frequency). This sequence change replaces proline with alanine at codon 78 of the FANCC protein (p.Pro78Ala). The proline residue is moderately conserved and there is a small physicochemical difference between proline and alanine.

NM_000136.3(FANCC):c.232C>G (p.Pro78Ala)

Gene: FANCC (FA complementation group C; minus strand). Cytogenetic location: 9q22.32.
Variant type: single nucleotide variant.
Coding change: c.232C>G on transcript NM_000136.3 (MANE Select); coding-DNA position 232, C replaced by G.
Protein change: p.Pro78Ala; replaces proline 78 with alanine.
Molecular consequence: missense variant.
Genome position (GRCh38, 1-based): chr9:95,247,450, G>C on the plus strand (C>G on the coding strand, the complement: FANCC is on the minus strand). VCF-style: chr9-95247450-G-C. GRCh37 (hg19) VCF-style: chr9-98009732-G-C.
Other names: c.232C>G, p.Pro78Ala (NM_001243743.2, NM_001243744.2); short protein forms P78A.
Identifiers: ClinVar variation 1434488 (VCV001434488.7), dbSNP rs2136090802, ClinGen allele CA374340024.